The following is an entry in ClinVar:

ClinVar aggregate classification (germline): Uncertain significance. Review status: criteria provided, multiple submitters, no conflicts (2 of 4 stars). 2 submissions from 2 submitters: Uncertain significance (2). Last evaluated 2024-05-16.

Conditions:
Charcot-Marie-Tooth disease type 2. Also called: Charcot-Marie-Tooth type 2. Identifiers: Orphanet 64746, MedGen C0270914, MONDO:0018993.
Inborn genetic diseases. Identifiers: MedGen C0950123, MeSH D030342.

Submissions (2):

Labcorp Genetics (formerly Invitae), Labcorp
Classification: Uncertain significance for Charcot-Marie-Tooth disease type 2. Last evaluated: 2024-05-16. Review status: criteria provided, single submitter. Criteria: Invitae Variant Classification Sherloc (09022015). Collection method: clinical testing. Allele origin: germline.
Comment: This sequence change replaces phenylalanine, which is neutral and non-polar, with cysteine, which is neutral and slightly polar, at codon 499 of the AARS protein (p.Phe499Cys). This variant is not present in population databases (gnomAD no frequency). This variant has not been reported in the literature in individuals affected with AARS-related conditions. Advanced modeling of protein sequence and biophysical properties (such as structural, functional, and spatial information, amino acid conservation, physicochemical variation, residue mobility, and thermodynamic stability) has been performed at Invitae for this missense variant, however the output from this modeling did not meet the statistical confidence thresholds required to predict the impact of this variant on AARS protein function. In summary, the available evidence is currently insufficient to determine the role of this variant in disease. Therefore, it has been classified as a Variant of Uncertain Significance.

Ambry Genetics
Classification: Uncertain significance for Inborn genetic diseases. Last evaluated: 2024-01-09. Review status: criteria provided, single submitter. Criteria: Ambry Variant Classification Scheme 2023. Collection method: clinical testing. Allele origin: germline.

NM_001605.3(AARS1):c.1496T>G (p.Phe499Cys)

Gene: AARS1 (alanyl-tRNA synthetase 1; minus strand). Cytogenetic location: 16q22.1.
Variant type: single nucleotide variant.
Coding change: c.1496T>G on transcript NM_001605.3 (MANE Select); coding-DNA position 1496, T replaced by G.
Protein change: p.Phe499Cys; replaces phenylalanine 499 with cysteine.
Molecular consequence: missense variant.
Genome position (GRCh38, 1-based): chr16:70,262,521, A>C on the plus strand (T>G on the coding strand, the complement: AARS1 is on the minus strand). VCF-style: chr16-70262521-A-C. GRCh37 (hg19) VCF-style: chr16-70296424-A-C.
Other names: short protein forms F499C.
Identifiers: ClinVar variation 2855218 (VCV002855218.4), dbSNP rs777384921, ClinGen allele CA396560415.